The following is an entry in ClinVar:

NM_031220.4(PITPNM3):c.1572C>T (p.His524=)

Gene: PITPNM3 (PITPNM family member 3; minus strand). Cytogenetic location: 17p13.2.
Variant type: single nucleotide variant.
Coding change: c.1572C>T on transcript NM_031220.4 (MANE Select); coding-DNA position 1572, C replaced by T.
Protein change: p.His524=; no amino-acid change (histidine 524 retained).
Molecular consequence: synonymous variant.
Genome position (GRCh38, 1-based): chr17:6,471,213, G>A on the plus strand (C>T on the coding strand, the complement: PITPNM3 is on the minus strand). VCF-style: chr17-6471213-G-A. GRCh37 (hg19) VCF-style: chr17-6374533-G-A.
Other names: c.1572C>T (NM_031220.3); c.1464C>T, p.His488= (NM_001165966.2).
Identifiers: ClinVar variation 1170780 (VCV001170780.12), dbSNP rs771991481, ClinGen allele CA8329471.
Genomic context (GRCh38, chr17:6,471,213, plus strand): 5'-TCACTCACTGCGGGAGGCACCCACGGGTGCCATGCTGTCCGAGGACTCCGAGCTCTCGCT[G>A]TGGGAGCTCCCCTCGCTCATCCTCCGTCCTGGGCGCTGGAACCTCGAGGCCTGAGGGGGC-3'
Protein context (NP_112497.2, residues 514-534): PGRRMSEGSS[His524=]SESSESSDSM

ClinVar aggregate classification (germline): Benign/Likely benign. Review status: criteria provided, multiple submitters, no conflicts (2 of 4 stars). 3 submissions from 3 submitters: Benign (1); Likely benign (1). 1 of the submissions does not count toward it. Last evaluated 2025-10-22.

Conditions:
PITPNM3-related disorder. Also called: PITPNM3-related condition.

Allele frequency attached by ClinVar (database versions not stated): gnomAD 0.00007; TOPMed 0.00019; gnomAD exomes 0.00020 and 0.00045; ExAC 0.00043.
gnomAD v4.1: 131 of 1,613,254 alleles (0.0081%); highest among the groups gnomAD compares: Admixed American, 0.22%; 1 homozygote.

Submissions (3):

Labcorp Genetics (formerly Invitae), Labcorp
Classification: Benign. Last evaluated: 2025-10-22. Review status: criteria provided, single submitter. Criteria: Invitae Variant Classification Sherloc (09022015). Collection method: clinical testing. Allele origin: germline.

Blueprint Genetics
Classification: Likely benign. Last evaluated: 2023-11-23. Review status: criteria provided, single submitter. Criteria: ACMG Guidelines, 2015. Collection method: clinical testing. Allele origin: germline.

PreventionGenetics, part of Exact Sciences
Classification: Likely benign for PITPNM3-related condition. Last evaluated: 2019-05-15. Review status: no assertion criteria provided. Collection method: clinical testing. Allele origin: germline. Not counted in ClinVar's aggregate classification.
Comment: This variant is classified as likely benign based on ACMG/AMP sequence variant interpretation guidelines (Richards et al. 2015 PMID: 25741868, with internal and published modifications).